The following is an entry in ClinVar:

ClinVar aggregate classification (germline): Uncertain significance (1 of 4 stars; one submission).

Conditions:
Inborn genetic diseases. Identifiers: MedGen C0950123, MeSH D030342.

Submission:

Ambry Genetics
Classification: Uncertain significance for Inborn genetic diseases. Last evaluated: 2026-07-22. Review status: criteria provided, single submitter. Criteria: Ambry Variant Classification Scheme 2023. Collection method: clinical testing. Allele origin: germline.
Comment: The p.R474T variant (also known as c.1421G>C), located in coding exon 11 of the BMPR2 gene, results from a G to C substitution at nucleotide position 1421. The arginine at codon 474 is replaced by threonine, an amino acid with similar properties. This amino acid position is conserved. In addition, the in silico prediction for this alteration is inconclusive. Based on the available evidence, the clinical significance of this variant remains unclear.

NM_001204.7(BMPR2):c.1421G>C (p.Arg474Thr)

Gene: BMPR2 (bone morphogenetic protein receptor type 2; plus strand). Cytogenetic location: 2q33.2.
Variant type: single nucleotide variant.
Coding change: c.1421G>C on transcript NM_001204.7 (MANE Select); coding-DNA position 1421, G replaced by C.
Protein change: p.Arg474Thr; replaces arginine 474 with threonine.
Molecular consequence: missense variant.
Genome position (GRCh38, 1-based): chr2:202,552,723, G>C. VCF-style: chr2-202552723-G-C. GRCh37 (hg19) VCF-style: chr2-203417446-G-C.
Other names: short protein forms R474T.
Identifiers: ClinVar variation 5033098 (VCV005033098.1).